The following is an entry in ClinVar:

NM_000147.5(FUCA1):c.404C>T (p.Thr135Met)

Genes: FUCA1 (alpha-L-fucosidase 1; minus strand), LOC126805661 (BRD4-independent group 4 enhancer GRCh37_chr1:24191742-24192941; plus strand). Cytogenetic location: 1p36.11.
Variant type: single nucleotide variant.
Coding change: c.404C>T on transcript NM_000147.5 (MANE Select); coding-DNA position 404, C replaced by T.
Protein change: p.Thr135Met; replaces threonine 135 with methionine.
Molecular consequence: missense variant. On other transcripts: non-coding transcript variant (4).
Genome position (GRCh38, 1-based): chr1:23,865,611, G>A on the plus strand (C>T on the coding strand, the complement: FUCA1 is on the minus strand). VCF-style: chr1-23865611-G-A. GRCh37 (hg19) VCF-style: chr1-24192101-G-A.
Other names: short protein forms T135M.
Identifiers: ClinVar variation 2040150 (VCV002040150.1), dbSNP rs779017131, ClinGen allele CA686552.

ClinVar aggregate classification (germline): Uncertain significance (1 of 4 stars; one submission).

Conditions:
Fucosidosis. Also called: ALPHA-L-FUCOSIDASE DEFICIENCY. Identifiers: Orphanet 349, MedGen C0016788, MONDO:0009254, OMIM 230000.

Allele frequency attached by ClinVar (database versions not stated): gnomAD 0.00001; ExAC 0.00002.
gnomAD v4.1: 19 of 1,614,078 alleles (0.0012%); highest among the groups gnomAD compares: East Asian, 0.0022%; no homozygotes.

Submission:

Labcorp Genetics (formerly Invitae), Labcorp
Classification: Uncertain significance for Fucosidosis. Last evaluated: 2022-08-21. Review status: criteria provided, single submitter. Criteria: Invitae Variant Classification Sherloc (09022015). Collection method: clinical testing. Allele origin: germline.
Comment: This sequence change replaces threonine, which is neutral and polar, with methionine, which is neutral and non-polar, at codon 135 of the FUCA1 protein (p.Thr135Met). This variant is present in population databases (rs779017131, gnomAD 0.003%). This variant has not been reported in the literature in individuals affected with FUCA1-related conditions. Algorithms developed to predict the effect of missense changes on protein structure and function are either unavailable or do not agree on the potential impact of this missense change (SIFT: "Deleterious"; PolyPhen-2: "Probably Damaging"; Align-GVGD: "Class C0"). In summary, the available evidence is currently insufficient to determine the role of this variant in disease. Therefore, it has been classified as a Variant of Uncertain Significance.